The following is an entry in ClinVar:

ClinVar aggregate classification (germline): Uncertain significance. Review status: criteria provided, multiple submitters, no conflicts (2 of 4 stars). 3 submissions from 3 submitters: Uncertain significance (3). Last evaluated 2023-04-21.

Conditions:
Fanconi anemia (FA). Also called: Fanconi's anemia. Identifiers: Orphanet 84, MedGen C0015625, MeSH D005199, MONDO:0019391.
Fanconi anemia complementation group D2. Also called: FANCD2-Related Fanconi Anemia; FANCONI PANCYTOPENIA, TYPE 4; FANCONI ANEMIA, COMPLEMENTATION GROUP D. Identifiers: Orphanet 84, MedGen C3160738, MONDO:0009214, OMIM 227646.

Allele frequency attached by ClinVar (database versions not stated): gnomAD exomes below 0.00001 and 0.00001; ExAC 0.00003.

Submissions (3):

Blueprint Genetics
Classification: Uncertain significance. Last evaluated: 2023-04-21. Review status: criteria provided, single submitter. Criteria: ACMG Guidelines, 2015. Collection method: clinical testing. Allele origin: germline.

Fulgent Genetics
Classification: Uncertain significance for Fanconi anemia complementation group D2. Last evaluated: 2022-04-20. Review status: criteria provided, single submitter. Criteria: ACMG Guidelines, 2015. Collection method: clinical testing. Allele origin: unknown.

Labcorp Genetics (formerly Invitae), Labcorp
Classification: Uncertain significance for Fanconi anemia. Last evaluated: 2018-03-17. Review status: criteria provided, single submitter. Criteria: Invitae Variant Classification Sherloc (09022015). Collection method: clinical testing. Allele origin: germline.
Comment: This sequence change replaces leucine with isoleucine at codon 456 of the FANCD2 protein (p.Leu456Ile). The leucine residue is weakly conserved and there is a small physicochemical difference between leucine and isoleucine. This variant is present in population databases (rs780374375, ExAC 0.05%). This variant has not been reported in the literature in individuals with FANCD2-related disease. Algorithms developed to predict the effect of missense changes on protein structure and function (SIFT, PolyPhen-2, Align-GVGD) all suggest that this variant is likely to be tolerated, but these predictions have not been confirmed by published functional studies and their clinical significance is uncertain. In summary, the available evidence is currently insufficient to determine the role of this variant in disease. Therefore, it has been classified as a Variant of Uncertain Significance.

NM_001018115.3(FANCD2):c.1366C>A (p.Leu456Ile)

Genes: FANCD2 (FA complementation group D2; plus strand), LOC107303338 (3p25 FANCD2 Alu-mediated recombination region; plus strand). Cytogenetic location: 3p25.3.
Variant type: single nucleotide variant.
Coding change: c.1366C>A on transcript NM_001018115.3 (MANE Select); coding-DNA position 1366, C replaced by A.
Protein change: p.Leu456Ile; replaces leucine 456 with isoleucine.
Molecular consequence: missense variant.
Genome position (GRCh38, 1-based): chr3:10,048,004, C>A. VCF-style: chr3-10048004-C-A. GRCh37 (hg19) VCF-style: chr3-10089688-C-A.
Other names: c.1366C>A, p.Leu456Ile (NM_001319984.2, NM_001374253.1, NM_001374254.1 and 1 more transcripts); short protein forms L456I.
Identifiers: ClinVar variation 571783 (VCV000571783.10), dbSNP rs780374375, ClinGen allele CA2249620.